The following is an entry in ClinVar:

ClinVar aggregate classification (germline): Uncertain significance. Review status: criteria provided, multiple submitters, no conflicts (2 of 4 stars). 2 submissions from 2 submitters: Uncertain significance (2). Last evaluated 2024-02-07.

Conditions:
Inborn genetic diseases. Identifiers: MedGen C0950123, MeSH D030342.
Hyperekplexia 3 (HKPX3). Also called: HYPEREKPLEXIA 3, AUTOSOMAL RECESSIVE; HYPEREKPLEXIA 3, AUTOSOMAL DOMINANT. Identifiers: Orphanet 3197, MedGen C3553288, MONDO:0013827, OMIM 614618.

Allele frequency attached by ClinVar (database versions not stated): gnomAD 0.00001; ExAC 0.00002.
gnomAD v4.1: 40 of 1,608,650 alleles (0.0025%); highest among the groups gnomAD compares: South Asian, 0.044%; 2 homozygotes.

Submissions (2):

Ambry Genetics
Classification: Uncertain significance for Inborn genetic diseases. Last evaluated: 2024-02-07. Review status: criteria provided, single submitter. Criteria: Ambry Variant Classification Scheme 2023. Collection method: clinical testing. Allele origin: germline.
Comment: The c.1499+4T>A intronic alteration consists of a T to A substitution 4 nucleotides after exon 9 of the SLC6A5 gene. Based on insufficient or conflicting evidence, the clinical significance of this alteration remains unclear.

Labcorp Genetics (formerly Invitae), Labcorp
Classification: Uncertain significance for Hyperekplexia 3. Last evaluated: 2022-03-18. Review status: criteria provided, single submitter. Criteria: Invitae Variant Classification Sherloc (09022015). Collection method: clinical testing. Allele origin: germline.
Comment: Variants that disrupt the consensus splice site are a relatively common cause of aberrant splicing (PMID: 17576681, 9536098). Algorithms developed to predict the effect of sequence changes on RNA splicing suggest that this variant is not likely to affect RNA splicing. In summary, the available evidence is currently insufficient to determine the role of this variant in disease. Therefore, it has been classified as a Variant of Uncertain Significance. This variant has not been reported in the literature in individuals affected with SLC6A5-related conditions. This variant is present in population databases (rs757579964, gnomAD 0.03%). This sequence change falls in intron 9 of the SLC6A5 gene. It does not directly change the encoded amino acid sequence of the SLC6A5 protein. It affects a nucleotide within the consensus splice site.

Literature cited by the submitters: PubMed 17576681 (cited by Labcorp Genetics (formerly Invitae), Labcorp); PubMed 9536098 (cited by Labcorp Genetics (formerly Invitae), Labcorp).

NM_004211.5(SLC6A5):c.1499+4T>A

Gene: SLC6A5 (solute carrier family 6 member 5; plus strand). Cytogenetic location: 11p15.1.
Variant type: single nucleotide variant.
Coding change: c.1499+4T>A on transcript NM_004211.5 (MANE Select); 4 bases into the intron after coding-DNA position 1499, T replaced by A.
Molecular consequence: intron variant.
Genome position (GRCh38, 1-based): chr11:20,628,087, T>A. VCF-style: chr11-20628087-T-A. GRCh37 (hg19) VCF-style: chr11-20649633-T-A.
Other names: c.1499+4T>A (NM_004211.3); c.797+4T>A (NM_001318369.2).
Identifiers: ClinVar variation 2062204 (VCV002062204.4), dbSNP rs757579964, ClinGen allele CA5921463.
Genomic context (GRCh38, chr11:20,628,087, plus strand): 5'-ATGGGGAGGCCTGATCACTCTCTCTTCTTACAACAAATTCCACAACAACTGCTACAGGTA[T>A]GTAGAGGTACTACAAGATCTGGGCATAGCTGGTGAGTGGGACAGAAGAATGGACTGAGTT-3'